The following is an entry in ClinVar:

ClinVar aggregate classification (germline): Uncertain significance. Review status: criteria provided, multiple submitters, no conflicts (2 of 4 stars). 3 submissions from 3 submitters: Uncertain significance (2). 1 of the submissions does not count toward it. Last evaluated 2024-02-23.

Conditions:
PKHD1-related disorder. Also called: PKHD1-related condition.
Polycystic kidney disease 4 (PKD4). Also called: POLYCYSTIC KIDNEY AND HEPATIC DISEASE 1; POLYCYSTIC KIDNEY DISEASE, INFANTILE, TYPE I; PKD3; POLYCYSTIC KIDNEY DISEASE 4 WITH OR WITHOUT POLYCYSTIC LIVER DISEASE; Autosomal Recessive Polycystic Kidney Disease – PKHD1. Identifiers: MedGen C4540575, MONDO:0033004, OMIM 263200.

Allele frequency attached by ClinVar (database versions not stated): ExAC 0.00002; gnomAD 0.00004; TOPMed 0.00005; gnomAD exomes 0.00007; ESP Exome Variant Server 0.00008.
gnomAD v4.1: 107 of 1,613,742 alleles (0.0066%); highest among the groups gnomAD compares: Non-Finnish European, 0.0083%; no homozygotes.

Submissions (3):

Fulgent Genetics
Classification: Uncertain significance for Polycystic kidney disease 4. Last evaluated: 2024-02-23. Review status: criteria provided, single submitter. Criteria: ACMG Guidelines, 2015. Collection method: clinical testing. Allele origin: germline.

Mayo Clinic Laboratories, Mayo Clinic
Classification: Uncertain significance. Last evaluated: 2022-04-21. Review status: criteria provided, single submitter. Criteria: ACMG Guidelines, 2015. Collection method: clinical testing. Allele origin: germline. Observed: 1 variant allele.
Comment: BP4, PM2

PreventionGenetics, part of Exact Sciences
Classification: Uncertain significance for PKHD1-related condition. Last evaluated: 2024-05-06. Review status: no assertion criteria provided. Collection method: clinical testing. Allele origin: germline. Not counted in ClinVar's aggregate classification.
Comment: The PKHD1 c.3026C>G variant is predicted to result in the amino acid substitution p.Thr1009Ser. To our knowledge, this variant has not been reported in the literature. This variant is reported in 0.0080% of alleles in individuals of African descent in gnomAD. At this time, the clinical significance of this variant is uncertain due to the absence of conclusive functional and genetic evidence.

NM_138694.4(PKHD1):c.3026C>G (p.Thr1009Ser)

Gene: PKHD1 (PKHD1 ciliary IPT domain containing fibrocystin/polyductin; minus strand). Cytogenetic location: 6p12.2.
Variant type: single nucleotide variant.
Coding change: c.3026C>G on transcript NM_138694.4 (MANE Select); coding-DNA position 3026, C replaced by G.
Protein change: p.Thr1009Ser; replaces threonine 1009 with serine.
Molecular consequence: missense variant.
Genome position (GRCh38, 1-based): chr6:52,042,930, G>C on the plus strand (C>G on the coding strand, the complement: PKHD1 is on the minus strand). VCF-style: chr6-52042930-G-C. GRCh37 (hg19) VCF-style: chr6-51907728-G-C.
Other names: p.Thr1009Ser; c.3026C>G (NM_138694.3); c.3026C>G, p.Thr1009Ser (NM_170724.3); short protein forms T1009S.
Identifiers: ClinVar variation 2682929 (VCV002682929.3), dbSNP rs149963633, ClinGen allele CA3853060.